The following is an entry in ClinVar:

ClinVar aggregate classification (germline): Uncertain significance (1 of 4 stars; one submission).

gnomAD v4.1: 1 of 1,584,228 alleles (0.000063%); highest among the groups gnomAD compares: Non-Finnish European, 0.000086%; no homozygotes.

Submission:

Labcorp Genetics (formerly Invitae), Labcorp
Classification: Uncertain significance. Last evaluated: 2025-07-02. Review status: criteria provided, single submitter. Criteria: Invitae Variant Classification Sherloc (09022015). Collection method: clinical testing. Allele origin: germline.
Comment: This sequence change replaces lysine, which is basic and polar, with arginine, which is basic and polar, at codon 402 of the TOP2B protein (p.Lys402Arg). This variant is not present in population databases (gnomAD no frequency). This variant has not been reported in the literature in individuals affected with TOP2B-related conditions. An algorithm developed to predict the effect of missense changes on protein structure and function (PolyPhen-2) suggests that this variant is likely to be tolerated. Algorithms developed to predict the effect of sequence changes on RNA splicing suggest that this variant may create or strengthen a splice site. In summary, the available evidence is currently insufficient to determine the role of this variant in disease. Therefore, it has been classified as a Variant of Uncertain Significance.

NM_001330700.2(TOP2B):c.1220A>G (p.Lys407Arg)

Gene: TOP2B (DNA topoisomerase II beta; minus strand). Cytogenetic location: 3p24.2.
Variant type: single nucleotide variant.
Coding change: c.1220A>G on transcript NM_001330700.2 (MANE Select); coding-DNA position 1220, A replaced by G.
Protein change: p.Lys407Arg; replaces lysine 407 with arginine.
Molecular consequence: missense variant.
Genome position (GRCh38, 1-based): chr3:25,632,492, T>C on the plus strand (A>G on the coding strand, the complement: TOP2B is on the minus strand). VCF-style: chr3-25632492-T-C. GRCh37 (hg19) VCF-style: chr3-25673983-T-C.
Other names: c.1205A>G, p.Lys402Arg (NM_001068.3); short protein forms K407R, K402R.
Identifiers: ClinVar variation 4722563 (VCV004722563.1).